The following is an entry in ClinVar:

ClinVar aggregate classification (germline): Uncertain significance (1 of 4 stars; one submission).

gnomAD v4.1: 1 of 1,614,044 alleles (0.000062%); highest among the groups gnomAD compares: Non-Finnish European, 0.000085%; no homozygotes.

Submission:

Ambry Genetics
Classification: Uncertain significance. Last evaluated: 2024-09-30. Review status: criteria provided, single submitter. Criteria: Ambry Variant Classification Scheme 2023. Collection method: clinical testing. Allele origin: germline.
Comment: The p.E891A variant (also known as c.2672A>C), located in coding exon 24 of the KIF1B gene, results from an A to C substitution at nucleotide position 2672. The glutamic acid at codon 891 is replaced by alanine, an amino acid with dissimilar properties. This amino acid position is conserved. In addition, the in silico prediction for this alteration is inconclusive. Based on the available evidence, the clinical significance of this variant remains unclear.

NM_001365951.3(KIF1B):c.2810A>C (p.Glu937Ala)

Genes: KIF1B (kinesin family member 1B; plus strand), LOC126805614 (BRD4-independent group 4 enhancer GRCh37_chr1:10385546-10386745; plus strand). Cytogenetic location: 1p36.22.
Variant type: single nucleotide variant.
Coding change: c.2810A>C on transcript NM_001365951.3 (MANE Select); coding-DNA position 2810, A replaced by C.
Protein change: p.Glu937Ala; replaces glutamic acid 937 with alanine.
Molecular consequence: missense variant.
Genome position (GRCh38, 1-based): chr1:10,326,245, A>C. VCF-style: chr1-10326245-A-C. GRCh37 (hg19) VCF-style: chr1-10386303-A-C.
Other names: c.2810A>C, p.Glu937Ala (NM_001365952.1); c.2672A>C, p.Glu891Ala (NM_015074.3); short protein forms E891A, E937A.
Identifiers: ClinVar variation 3533903 (VCV003533903.1).
Genomic context (GRCh38, chr1:10,326,245, plus strand): 5'-ATTCCGACATCACTGAGCTGGCTGACGAGCAGCAAGATGAGATGGAGGATTTTGATGATG[A>C]GGCATTCGTGGATGACGCCGGCTCTGACGCAGGGACGGAGGAGGGATCAGATCTCTTCAG-3'
Protein context (NP_001352880.1, residues 927-947): QQDEMEDFDD[Glu937Ala]AFVDDAGSDA